The following is an entry in ClinVar:

NM_130837.3(OPA1):c.1292C>T (p.Thr431Ile)

Gene: OPA1 (OPA1 mitochondrial dynamin like GTPase; plus strand). Cytogenetic location: 3q29.
Variant type: single nucleotide variant.
Coding change: c.1292C>T on transcript NM_130837.3 (MANE Select); coding-DNA position 1292, C replaced by T.
Protein change: p.Thr431Ile; replaces threonine 431 with isoleucine.
Molecular consequence: missense variant.
Genome position (GRCh38, 1-based): chr3:193,643,036, C>T. VCF-style: chr3-193643036-C-T. GRCh37 (hg19) VCF-style: chr3-193360825-C-T.
Other names: c.758C>T, p.Thr253Ile (NM_001354663.2); c.755C>T, p.Thr252Ile (NM_001354664.2); c.1127C>T, p.Thr376Ile (NM_015560.3); c.1019C>T, p.Thr340Ile (NM_130831.3); c.1073C>T, p.Thr358Ile (NM_130832.3); c.1130C>T, p.Thr377Ile (NM_130833.3); c.1181C>T, p.Thr394Ile (NM_130834.3); c.1184C>T, p.Thr395Ile (NM_130835.3); and 1 more; short protein forms T340I, T394I, T252I, T376I, T377I, T395I, T358I, T413I.
Identifiers: ClinVar variation 2698192 (VCV002698192.3), dbSNP rs2474865672, ClinGen allele CA355789106.

ClinVar aggregate classification (germline): Uncertain significance (1 of 4 stars; one submission).

Submission:

Labcorp Genetics (formerly Invitae), Labcorp
Classification: Uncertain significance. Last evaluated: 2023-12-04. Review status: criteria provided, single submitter. Criteria: Invitae Variant Classification Sherloc (09022015). Collection method: clinical testing. Allele origin: germline.
Comment: This sequence change replaces threonine, which is neutral and polar, with isoleucine, which is neutral and non-polar, at codon 376 of the OPA1 protein (p.Thr376Ile). This variant is not present in population databases (gnomAD no frequency). This variant has not been reported in the literature in individuals affected with OPA1-related conditions. Advanced modeling of protein sequence and biophysical properties (such as structural, functional, and spatial information, amino acid conservation, physicochemical variation, residue mobility, and thermodynamic stability) performed at Invitae indicates that this missense variant is expected to disrupt OPA1 protein function with a positive predictive value of 80%. In summary, the available evidence is currently insufficient to determine the role of this variant in disease. Therefore, it has been classified as a Variant of Uncertain Significance.